The following is an entry in ClinVar:

ClinVar aggregate classification (germline): Likely benign. Review status: criteria provided, multiple submitters, no conflicts (2 of 4 stars). 2 submissions from 2 submitters: Likely benign (2). Last evaluated 2024-10-24.

Conditions:
Birt-Hogg-Dube syndrome 1 (BHD1). Also called: FIBROFOLLICULOMAS WITH TRICHODISCOMAS AND ACROCHORDONS. Identifiers: Orphanet 122, MedGen CN375946, MONDO:0800445, OMIM 135150.
Birt-Hogg-Dube syndrome. Also called: Birt Hogg Dubé syndrome. Identifiers: Orphanet 122, MedGen C0346010, MONDO:0800444.

Allele frequency attached by ClinVar (database versions not stated): TOPMed 0.00001.

Submissions (2):

Myriad Genetics, Inc.
Classification: Likely benign for Birt-Hogg-Dube syndrome 1. Last evaluated: 2024-10-24. Review status: criteria provided, single submitter. Criteria: Myriad Autosomal Dominant, Autosomal Recessive and X-Linked Classification Criteria (2023). Collection method: clinical testing. Allele origin: unknown.
Comment: This variant is considered likely benign. This variant is intronic and is not expected to impact mRNA splicing.

Labcorp Genetics (formerly Invitae), Labcorp
Classification: Likely benign for Birt-Hogg-Dube syndrome. Last evaluated: 2023-11-30. Review status: criteria provided, single submitter. Criteria: Invitae Variant Classification Sherloc (09022015). Collection method: clinical testing. Allele origin: germline.

NM_144997.7(FLCN):c.1177-12T>C

Gene: FLCN (folliculin; minus strand). Cytogenetic location: 17p11.2.
Variant type: single nucleotide variant.
Coding change: c.1177-12T>C on transcript NM_144997.7 (MANE Select); 12 bases into the intron before coding-DNA position 1177, T replaced by C.
Molecular consequence: intron variant.
Genome position (GRCh38, 1-based): chr17:17,216,515, A>G on the plus strand (T>C on the coding strand, the complement: FLCN is on the minus strand). VCF-style: chr17-17216515-A-G. GRCh37 (hg19) VCF-style: chr17-17119829-A-G.
Other names: c.1177-12T>C (NM_001353231.2, NM_001353230.2); c.1231-12T>C (NM_001353229.2).
Identifiers: ClinVar variation 2890970 (VCV002890970.4), dbSNP rs1341314313, ClinGen allele CA726585081.